The following is an entry in ClinVar:

NM_001375524.1(TRRAP):c.10751C>A (p.Thr3584Lys)

Gene: TRRAP (transformation/transcription domain associated protein; plus strand). Cytogenetic location: 7q22.1.
Variant type: single nucleotide variant.
Coding change: c.10751C>A on transcript NM_001375524.1 (MANE Select); coding-DNA position 10751, C replaced by A.
Protein change: p.Thr3584Lys; replaces threonine 3584 with lysine.
Molecular consequence: missense variant.
Genome position (GRCh38, 1-based): chr7:99,005,346, C>A. VCF-style: chr7-99005346-C-A. GRCh37 (hg19) VCF-style: chr7-98602969-C-A.
Other names: c.10709C>A, p.Thr3570Lys (NM_001244580.2); c.10622C>A, p.Thr3541Lys (NM_003496.4); short protein forms T3541K, T3570K, T3584K.
Identifiers: ClinVar variation 2894034 (VCV002894034.3), dbSNP rs571708554, ClinGen allele CA4361976.

ClinVar aggregate classification (germline): Uncertain significance (1 of 4 stars; one submission).

Allele frequency attached by ClinVar (database versions not stated): gnomAD exomes 0.00006; gnomAD 0.00001; ExAC 0.00002.
gnomAD v4.1: 85 of 1,613,836 alleles (0.0053%); highest among the groups gnomAD compares: Non-Finnish European, 0.0069%; no homozygotes.

Submission:

Labcorp Genetics (formerly Invitae), Labcorp
Classification: Uncertain significance. Last evaluated: 2025-03-19. Review status: criteria provided, single submitter. Criteria: Invitae Variant Classification Sherloc (09022015). Collection method: clinical testing. Allele origin: germline.
Comment: This sequence change replaces threonine, which is neutral and polar, with lysine, which is basic and polar, at codon 3541 of the TRRAP protein (p.Thr3541Lys). This variant is present in population databases (rs571708554, gnomAD 0.006%). This variant has not been reported in the literature in individuals affected with TRRAP-related conditions. ClinVar contains an entry for this variant (Variation ID: 2894034). An algorithm developed to predict the effect of missense changes on protein structure and function (PolyPhen-2) suggests that this variant is likely to be disruptive. In summary, the available evidence is currently insufficient to determine the role of this variant in disease. Therefore, it has been classified as a Variant of Uncertain Significance.